The following is an entry in ClinVar:

NM_001844.5(COL2A1):c.4144T>C (p.Ser1382Pro)

Gene: COL2A1 (collagen type II alpha 1 chain; minus strand). Cytogenetic location: 12q13.11.
Variant type: single nucleotide variant.
Coding change: c.4144T>C on transcript NM_001844.5 (MANE Select); coding-DNA position 4144, T replaced by C.
Protein change: p.Ser1382Pro; replaces serine 1382 with proline.
Molecular consequence: missense variant.
Genome position (GRCh38, 1-based): chr12:47,974,262, A>G on the plus strand (T>C on the coding strand, the complement: COL2A1 is on the minus strand). VCF-style: chr12-47974262-A-G. GRCh37 (hg19) VCF-style: chr12-48368045-A-G.
Other names: c.3937T>C, p.Ser1313Pro (NM_033150.3); c.4144T>C (NM_001844.4); short protein forms S1313P, S1382P.
Identifiers: ClinVar variation 4056809 (VCV004056809.2).

ClinVar aggregate classification (germline): Likely pathogenic. Review status: criteria provided, multiple submitters, no conflicts (2 of 4 stars). 2 submissions from 2 submitters: Likely pathogenic (2). Last evaluated 2026-08-31.

Conditions:
COL2A1-related disorder. Also called: COL2A1-related condition; COL2A1-related disorders.
Achondrogenesis type II (ACG2). Also called: ACHONDROGENESIS, LANGER-SALDINO TYPE; CHONDROGENESIS IMPERFECTA. Identifiers: Orphanet 932, Orphanet 93296, MedGen C0220685, MONDO:0008702, OMIM 200610.

Submissions (2):

PreventionGenetics, part of Exact Sciences
Classification: Likely pathogenic for COL2A1-related condition. Last evaluated: 2026-08-31. Review status: criteria provided, single submitter. Criteria: ACMG Guidelines, 2015. Collection method: clinical testing. Allele origin: germline.
Comment: The COL2A1 c.4144T>C variant is predicted to result in the amino acid substitution p.Ser1382Pro. To our knowledge, this variant has not been reported in the literature or observed in large population databases, including gnomAD, suggesting that it is rare. This missense variant is predicted to have a deleterious effect on protein function (REVEL score = 0.773; Ioannidis et al. 2016. PubMed ID: 27666373). Although we suspect that this variant may be pathogenic, at this time, the clinical significance of this variant is uncertain due to the absence of conclusive functional and genetic evidence.

Department of Medical Genetics, Sanjay Gandhi Post Graduate Institute of Medical Sciences
Classification: Likely pathogenic for Achondrogenesis type II. Last evaluated: 2023-05-02. Review status: criteria provided, single submitter. Criteria: ACMG Guidelines, 2015. Collection method: research. Allele origin: de novo. Inheritance: Autosomal dominant inheritance. Affected: yes. Observed: 1 heterozygote.
Comment: This novel variant, c.4144T>C, is associated with achondrogenesis type 2 (OMIM #200610). It is predicted to be a missense variant (p.Ser1382Pro). According to ACMG criteria, it is classified as likely pathogenic, based on the following evidence: PM2, PP3, PP2, and PS2.

Literature cited by the submitters: PubMed 36376277 (cited by Department of Medical Genetics, Sanjay Gandhi Post Graduate Institute of Medical Sciences).